The following is an entry in ClinVar:

ClinVar aggregate classification (germline): Likely pathogenic. Review status: criteria provided, single submitter (1 of 4 stars). 2 submissions from 2 submitters: Likely pathogenic (1). 1 of the submissions does not count toward it. Last evaluated 2026-09-08.

Conditions:
Fabry disease, cardiac variant. Identifiers: MedGen C1970820.
Fabry disease. Also called: Ceramide trihexosidosis; Fabry's disease; CERAMIDE TRIHEXOSIDASE DEFICIENCY; GLA DEFICIENCY; HEREDITARY DYSTOPIC LIPIDOSIS; ALPHA-GALACTOSIDASE A DEFICIENCY. Identifiers: Orphanet 324, MedGen C0002986, MONDO:0010526, OMIM 301500, HP:0001071. Disease mechanism: Fabry disease is due to inactivating mutations in the X-linked GLA gene resulting in deficiency of the enzyme Alpha Galactosidase-A., loss of function.

Submissions (2):

Genomenon, Inc
Classification: Likely pathogenic for Fabry disease. Last evaluated: 2026-09-08. Review status: criteria provided, single submitter. Criteria: Genomenon Sequence Variant Interpretation Standards - Updated. Collection method: curation. Allele origin: germline. Affected: yes.
Comment: GLA p.Ala20Pro (c.58G>C) is a missense variant that changes the amino acid at codon 20 from Alanine to Proline. This variant has been observed in at least one proband with clinical features consistent with Fabry disease (PMID:26415523;7596372;9105656). The variant was found to segregate with disease in at least one affected family (PMID:11137837). At least one functional study has demonstrated a substantial alteration in protein function relative to the wild-type (PMID:32023956;26415523). It is absent or not present at a significant frequency in gnomAD. In conclusion, we classify GLA p.Ala20Pro (c.58G>C) as a likely pathogenic variant.

OMIM
Classification: Pathogenic for FABRY DISEASE, CARDIAC VARIANT. Last evaluated: 1995-08-03. Review status: no assertion criteria provided. Collection method: literature only. Allele origin: germline. Not counted in ClinVar's aggregate classification.

Literature cited by the submitters: PubMed 26415523 (cited by Genomenon, Inc); PubMed 7596372 (cited by Genomenon, Inc and OMIM); PubMed 9105656 (cited by Genomenon, Inc); PubMed 11137837 (cited by Genomenon, Inc); PubMed 32023956 (cited by Genomenon, Inc).

NM_000169.3(GLA):c.58G>C (p.Ala20Pro)

Genes: GLA (galactosidase alpha; minus strand), RPL36A-HNRNPH2 (RPL36A-HNRNPH2 readthrough; plus strand). Cytogenetic location: Xq22.1.
Variant type: single nucleotide variant.
Coding change: c.58G>C on transcript NM_000169.3 (MANE Select); coding-DNA position 58, G replaced by C.
Protein change: p.Ala20Pro; replaces alanine 20 with proline.
Molecular consequence: missense variant. On other transcripts: non-coding transcript variant (3), intron variant (2).
Genome position (GRCh38, 1-based): chrX:101,407,846, C>G on the plus strand (G>C on the coding strand, the complement: GLA is on the minus strand). VCF-style: chrX-101407846-C-G. GRCh37 (hg19) VCF-style: chrX-100662834-C-G.
Other names: c.58G>C, p.Ala20Pro (NM_001406747.1, NM_001406748.1, NM_001406749.1); c.301-4090C>G (NM_001199973.2); c.178-4090C>G (NM_001199974.2); short protein forms A20P.
Identifiers: ClinVar variation 10764 (VCV000010764.3), dbSNP rs104894847, ClinGen allele CA021802.